The following is an entry in ClinVar:

ClinVar aggregate classification (germline): Uncertain significance. Review status: criteria provided, multiple submitters, no conflicts (2 of 4 stars). 5 submissions from 5 submitters: Uncertain significance (3). 2 of the submissions do not count toward it. Last evaluated 2025-09-23.

Conditions:
Inborn genetic diseases. Identifiers: MedGen C0950123, MeSH D030342.

Allele frequency attached by ClinVar (database versions not stated): ExAC 0.00001; gnomAD exomes 0.00001.
gnomAD v4.1: 16 of 1,611,830 alleles (0.00099%); highest among the groups gnomAD compares: Non-Finnish European, 0.0013%; no homozygotes.

Submissions (5):

Labcorp Genetics (formerly Invitae), Labcorp
Classification: Uncertain significance. Last evaluated: 2025-09-23. Review status: criteria provided, single submitter. Criteria: Invitae Variant Classification Sherloc (09022015). Collection method: clinical testing. Allele origin: germline.
Comment: This sequence change replaces proline, which is neutral and non-polar, with threonine, which is neutral and polar, at codon 757 of the TNFAIP3 protein (p.Pro757Thr). This variant is present in population databases (rs771436999, gnomAD 0.003%). This variant has not been reported in the literature in individuals affected with TNFAIP3-related conditions. ClinVar contains an entry for this variant (Variation ID: 1285174). An algorithm developed to predict the effect of missense changes on protein structure and function (PolyPhen-2) suggests that this variant is likely to be tolerated. In summary, the available evidence is currently insufficient to determine the role of this variant in disease. Therefore, it has been classified as a Variant of Uncertain Significance.

Mayo Clinic Laboratories, Mayo Clinic
Classification: Uncertain significance. Last evaluated: 2025-07-23. Review status: criteria provided, single submitter. Criteria: ACMG Guidelines, 2015. Collection method: clinical testing. Allele origin: germline. Observed: 1 variant allele.
Comment: BP4_moderate, PM2_supporting

Ambry Genetics
Classification: Uncertain significance for Inborn genetic diseases. Last evaluated: 2023-12-20. Review status: criteria provided, single submitter. Criteria: Ambry Variant Classification Scheme 2023. Collection method: clinical testing. Allele origin: germline.

Clinical Genetics DNA and cytogenetics Diagnostics Lab, Erasmus MC, Erasmus Medical Center
Classification: Likely benign. Review status: no assertion criteria provided. Collection method: clinical testing. Allele origin: germline. Affected: yes. Study: VKGL Data-share Consensus. Not counted in ClinVar's aggregate classification.

Genome Diagnostics Laboratory, University Medical Center Utrecht
Classification: Likely benign. Review status: no assertion criteria provided. Collection method: clinical testing. Allele origin: germline. Affected: yes. Study: VKGL Data-share Consensus. Not counted in ClinVar's aggregate classification.

NM_001270508.2(TNFAIP3):c.2269C>A (p.Pro757Thr)

Gene: TNFAIP3 (TNF alpha induced protein 3; plus strand). Cytogenetic location: 6q23.3.
Variant type: single nucleotide variant.
Coding change: c.2269C>A on transcript NM_001270508.2 (MANE Select); coding-DNA position 2269, C replaced by A.
Protein change: p.Pro757Thr; replaces proline 757 with threonine.
Molecular consequence: missense variant.
Genome position (GRCh38, 1-based): chr6:137,881,215, C>A. VCF-style: chr6-137881215-C-A. GRCh37 (hg19) VCF-style: chr6-138202352-C-A.
Other names: p.Pro757Thr; c.2269C>A, p.Pro757Thr (NM_001270507.2, NM_006290.4); c.2269C>A (NM_006290.2); short protein forms P757T.
Identifiers: ClinVar variation 1285174 (VCV001285174.12), dbSNP rs771436999, ClinGen allele CA4019833.